The following is an entry in ClinVar:

ClinVar aggregate classification (germline): Uncertain significance (1 of 4 stars; one submission).

Allele frequency attached by ClinVar (database versions not stated): ExAC 0.00001; gnomAD exomes 0.00001; TOPMed below 0.00001.
gnomAD v4.1: 11 of 1,603,898 alleles (0.00069%); highest among the groups gnomAD compares: East Asian, 0.0023%; no homozygotes.

Submission:

Labcorp Genetics (formerly Invitae), Labcorp
Classification: Uncertain significance. Last evaluated: 2021-05-31. Review status: criteria provided, single submitter. Criteria: Invitae Variant Classification Sherloc (09022015). Collection method: clinical testing. Allele origin: germline.
Comment: In summary, the available evidence is currently insufficient to determine the role of this variant in disease. Therefore, it has been classified as a Variant of Uncertain Significance. Algorithms developed to predict the effect of sequence changes on RNA splicing suggest that this variant may create or strengthen a splice site, but this prediction has not been confirmed by published transcriptional studies. Algorithms developed to predict the effect of missense changes on protein structure and function (SIFT, PolyPhen-2, Align-GVGD) all suggest that this variant is likely to be tolerated, but these predictions have not been confirmed by published functional studies and their clinical significance is uncertain. This variant has not been reported in the literature in individuals with VPS13C-related conditions. This variant is present in population databases (rs766555427, ExAC 0.001%). This sequence change replaces arginine with glutamine at codon 2516 of the VPS13C protein (p.Arg2516Gln). The arginine residue is moderately conserved and there is a small physicochemical difference between arginine and glutamine.

NM_020821.3(VPS13C):c.7547G>A (p.Arg2516Gln)

Gene: VPS13C (vacuolar protein sorting 13 homolog C; minus strand). Cytogenetic location: 15q22.2.
Variant type: single nucleotide variant.
Coding change: c.7547G>A on transcript NM_020821.3 (MANE Select); coding-DNA position 7547, G replaced by A.
Protein change: p.Arg2516Gln; replaces arginine 2516 with glutamine.
Molecular consequence: missense variant.
Genome position (GRCh38, 1-based): chr15:61,919,380, C>T on the plus strand (G>A on the coding strand, the complement: VPS13C is on the minus strand). VCF-style: chr15-61919380-C-T. GRCh37 (hg19) VCF-style: chr15-62211579-C-T.
Other names: c.7547G>A, p.Arg2516Gln (NM_001018088.3); c.7418G>A, p.Arg2473Gln (NM_017684.5, NM_018080.4); short protein forms R2516Q, R2473Q.
Identifiers: ClinVar variation 1381846 (VCV001381846.8), dbSNP rs766555427, ClinGen allele CA7595237.
Genomic context (GRCh38, chr15:61,919,380, plus strand): 5'-TTCCCTTCAGTTGCATCAATTTGTACCAAGACAGAGTCAGAATGACTGGCATTGGGATTC[C>T]GTACATTATACAATCGCCGTCCAGGTCTGGCCACAGGGATATTTGCAACTTCTGTATATC-3'
Protein context (NP_065872.1, residues 2506-2526): ARPGRRLYNV[Arg2516Gln]NPNASHSDSV